The following is an entry in ClinVar:

NM_001369.3(DNAH5):c.13426C>T (p.Arg4476Ter)

Gene: DNAH5 (dynein axonemal heavy chain 5; minus strand). Cytogenetic location: 5p15.2.
Variant type: single nucleotide variant.
Coding change: c.13426C>T on transcript NM_001369.3 (MANE Select); coding-DNA position 13426, C replaced by T.
Protein change: p.Arg4476Ter; replaces arginine 4476 with a stop codon.
Molecular consequence: nonsense.
Genome position (GRCh38, 1-based): chr5:13,701,349, G>A on the plus strand (C>T on the coding strand, the complement: DNAH5 is on the minus strand). VCF-style: chr5-13701349-G-A. GRCh37 (hg19) VCF-style: chr5-13701458-G-A.
Other names: short protein forms R4476*.
Identifiers: ClinVar variation 454743 (VCV000454743.18), dbSNP rs767716511, ClinGen allele CA3201370.

ClinVar aggregate classification (germline): Pathogenic. Review status: criteria provided, multiple submitters, no conflicts (2 of 4 stars). 4 submissions from 4 submitters: Pathogenic (4). Last evaluated 2024-08-21.

Conditions:
Primary ciliary dyskinesia. Also called: Ciliary dyskinesia. Identifiers: Orphanet 244, MedGen C0008780, MONDO:0016575, HP:0012265.
Primary ciliary dyskinesia 3. Identifiers: Orphanet 244, MedGen C1837618, MONDO:0012085, OMIM 608644.

Allele frequency attached by ClinVar (database versions not stated): ExAC 0.00001; gnomAD exomes 0.00001.
gnomAD v4.1: 13 of 1,613,992 alleles (0.00081%); highest among the groups gnomAD compares: African/African-American, 0.0013%; no homozygotes.

Submissions (4):

Labcorp Genetics (formerly Invitae), Labcorp
Classification: Pathogenic for Primary ciliary dyskinesia. Last evaluated: 2024-08-21. Review status: criteria provided, single submitter. Criteria: Invitae Variant Classification Sherloc (09022015). Collection method: clinical testing. Allele origin: germline.
Comment: This sequence change creates a premature translational stop signal (p.Arg4476*) in the DNAH5 gene. It is expected to result in an absent or disrupted protein product. Loss-of-function variants in DNAH5 are known to be pathogenic (PMID: 11788826, 16627867). This variant is present in population databases (rs767716511, gnomAD 0.01%). This premature translational stop signal has been observed in individual(s) with primary ciliary dyskinesia (PMID: 16627867; internal data). ClinVar contains an entry for this variant (Variation ID: 454743). For these reasons, this variant has been classified as Pathogenic.

Myriad Genetics, Inc.
Classification: Pathogenic for Primary ciliary dyskinesia 3. Last evaluated: 2024-05-14. Review status: criteria provided, single submitter. Criteria: Myriad Autosomal Dominant, Autosomal Recessive and X-Linked Classification Criteria (2023). Collection method: clinical testing. Allele origin: unknown.
Comment: NM_001369.2(DNAH5):c.13426C>T(R4476*) is expected to be pathogenic in the context of primary ciliary dyskinesia, DNAH5-related. This variant is predicted to lead to an abnormal or absent protein product due to the creation of a premature termination codon in DNAH5, a gene where loss-of-function variants are known to be pathogenic. Please note: this variant was assessed in the context of healthy population screening.

Natera, Inc.
Classification: Pathogenic for Primary ciliary dyskinesia. Last evaluated: 2024-03-11. Review status: criteria provided, single submitter. Criteria: Natera Variant Classification Schema (03/2026). Collection method: clinical testing. Allele origin: germline.
Comment: The c.13426C>T variant in DNAH5 is a nonsense variant predicted to introduce a stop codon at amino acid 4476. This variant is expected to result in nonsense mediated decay, truncation, or a dysfunctional protein product. This variant is rare in the general population with a frequency below the threshold expected for the associated phenotype(s). This variant has been observed in one or more individuals affected with the associated recessive disease, as either homozygous or compound heterozygous with a second variant (PMID: 16627867). Additionally, this variant has been observed to segregate in affected family members (PMID: 16627867). Given the available evidence, this variant is classified as Pathogenic.

AiLife Diagnostics
Classification: Pathogenic. Last evaluated: 2021-08-03. Review status: criteria provided, single submitter. Criteria: ACMG Guidelines, 2015. Collection method: clinical testing. Allele origin: germline. Affected: yes. Observed: 1 variant allele.

Literature cited by the submitters: PubMed 11788826 (cited by Labcorp Genetics (formerly Invitae), Labcorp); PubMed 16627867 (cited by 3 submitters); PubMed 25525159 (cited by AiLife Diagnostics).